The following is an entry in ClinVar:

NM_024334.3(TMEM43):c.258_261del (p.Arg87fs)

Gene: TMEM43 (transmembrane protein 43; plus strand). Cytogenetic location: 3p25.1.
Variant type: Microsatellite.
Coding change: c.258_261del on transcript NM_024334.3 (MANE Select); coding-DNA positions 258 to 261, 4 bases deleted (AAGG; older notation c.258_261delAAGG).
Protein change: p.Arg87fs; shifts the reading frame from arginine 87.
Molecular consequence: frameshift variant.
Genome position (GRCh38, 1-based): chr3:14,130,917-14,130,920, AAGG deleted; deleting any 4 consecutive bases within chr3:14,130,912-14,130,920 gives the same sequence; the c. name uses the placement nearest the transcript's 3' end. VCF-style (leftmost placement, unchanged base first): chr3-14130911-TGAAG-T. GRCh37 (hg19) VCF-style: chr3-14172411-TGAAG-T.
Other names: c.254_257AAGG[1], p.Arg87Trpfs (NM_001407274.1, NM_001407275.1, NM_001407276.1 and 3 more transcripts); c.239_242AAGG[1], p.Arg82Trpfs (NM_001407278.1); c.104_107AAGG[1], p.Arg37Trpfs (NM_001407280.1); c.258_261delAAGG (NM_024334.2); short protein forms R87fs.
Identifiers: ClinVar variation 1793368 (VCV001793368.2), dbSNP rs2470179703, ClinGen allele CA2580614145.

ClinVar aggregate classification (germline): Uncertain significance (1 of 4 stars; one submission).

Conditions:
Cardiovascular phenotype. Identifiers: MedGen CN230736.

Submission:

Ambry Genetics
Classification: Uncertain significance for Cardiovascular phenotype. Last evaluated: 2022-08-02. Review status: criteria provided, single submitter. Criteria: Ambry Variant Classification Scheme 2023. Collection method: clinical testing. Allele origin: germline.
Comment: The c.258_261delAAGG variant, located in coding exon 3 of the TMEM43 gene, results from a deletion of 4 nucleotides at nucleotide positions 258 to 261, causing a translational frameshift with a predicted alternate stop codon (p.R87Wfs*26). This variant has been detected through exome sequencing in a cohort not selected for the presence of cardiovascular disease; however, details were limited (Van Hout CV et al. Nature, 2020 10;586:749-756). This alteration is expected to result in premature protein truncation or nonsense-mediated mRNA decay. However, loss of function of TMEM43has not been clearly established as a mechanism of disease. Since supporting evidence is limited at this time, the clinical significance of this alteration remains unclear.

Literature cited by the submitters: PubMed 33087929.